The following is an entry in ClinVar:

NM_002691.4(POLD1):c.537dup (p.Arg180fs)

Gene: POLD1 (DNA polymerase delta 1, catalytic subunit; plus strand). Cytogenetic location: 19q13.33.
Variant type: Duplication.
Coding change: c.537dup on transcript NM_002691.4 (MANE Select); coding-DNA position 537, one base duplicated (G; older notation c.537dupG).
Protein change: p.Arg180fs; shifts the reading frame from arginine 180.
Molecular consequence: frameshift variant. On other transcripts: non-coding transcript variant (1).
Genome position (GRCh38, 1-based): chr19:50,402,072, G duplicated; the last of 6 consecutive G bases (chr19:50,402,067-50,402,072); duplicating any one gives the same sequence. VCF-style (leftmost placement, unchanged base first): chr19-50402066-C-CG. GRCh37 (hg19) VCF-style: chr19-50905323-C-CG.
Other names: c.537dup, p.Arg180fs (NM_001256849.1, NM_001308632.1); c.537dupG (NM_002691.2); short protein forms R180fs.
Identifiers: ClinVar variation 1462887 (VCV001462887.7), dbSNP rs1568619502, ClinGen allele CA633897360.

ClinVar aggregate classification (germline): Uncertain significance. Review status: criteria provided, multiple submitters, no conflicts (2 of 4 stars). 2 submissions from 2 submitters: Uncertain significance (2). Last evaluated 2025-12-09.

Conditions:
POLD1-related polyposis and colorectal cancer syndrome (CRCS10). Also called: Colorectal cancer 10; COLORECTAL CANCER, SUSCEPTIBILITY TO, ON CHROMOSOME 19q; Colorectal cancer, susceptibility to, 10. Identifiers: Orphanet 220460, MedGen C2675481, MONDO:0012953, OMIM 612591.
Hereditary cancer-predisposing syndrome. Also called: Neoplastic Syndromes, Hereditary; Tumor predisposition; Hereditary Cancer Syndrome; Hereditary neoplastic syndrome. Identifiers: Orphanet 140162, MedGen C0027672, MeSH D009386, MONDO:0015356.

Submissions (2):

Ambry Genetics
Classification: Uncertain significance for Hereditary cancer-predisposing syndrome. Last evaluated: 2025-12-09. Review status: criteria provided, single submitter. Criteria: Ambry Variant Classification Scheme 2023. Collection method: clinical testing. Allele origin: germline.
Comment: The c.537dupG variant, located in coding exon 4 of the POLD1 gene, results from a duplication of G at nucleotide position 537, causing a translational frameshift with a predicted alternate stop codon (p.R180Efs*72). This alteration is expected to result in protein truncation or nonsense-mediated mRNA decay. However, loss of function has not been established as a mechanism of disease. Based on the available evidence, the clinical significance of this alteration remains unclear.

Labcorp Genetics (formerly Invitae), Labcorp
Classification: Uncertain significance for POLD1-related polyposis and colorectal cancer syndrome. Last evaluated: 2023-08-24. Review status: criteria provided, single submitter. Criteria: Invitae Variant Classification Sherloc (09022015). Collection method: clinical testing. Allele origin: germline.
Comment: In summary, the available evidence is currently insufficient to determine the role of this variant in disease. Therefore, it has been classified as a Variant of Uncertain Significance. ClinVar contains an entry for this variant (Variation ID: 1462887). This variant has not been reported in the literature in individuals affected with POLD1-related conditions. This variant is not present in population databases (gnomAD no frequency). This sequence change creates a premature translational stop signal (p.Arg180Glufs*72) in the POLD1 gene. Missense variants that disrupt the 3'-5' exonuclease (proof-reading) activity of the POLD1 protein are associated with PPAP (polymerase proofreading–associated polyposis) (PMID: 23263490, 23447401). However, loss-of-function variants that result in an absent or severely disrupted POLD1 protein, and missense variants outside the exonuclease domain, are unlikely to be associated with PPAP.

Literature cited by the submitters: PubMed 23263490 (cited by Labcorp Genetics (formerly Invitae), Labcorp); PubMed 23447401 (cited by Labcorp Genetics (formerly Invitae), Labcorp).